The following is an entry in ClinVar:

NM_000936.4(PNLIP):c.1218T>G (p.Asp406Glu)

Gene: PNLIP (pancreatic lipase; plus strand). Cytogenetic location: 10q25.3.
Variant type: single nucleotide variant.
Coding change: c.1218T>G on transcript NM_000936.4 (MANE Select); coding-DNA position 1218, T replaced by G.
Protein change: p.Asp406Glu; replaces aspartic acid 406 with glutamic acid.
Molecular consequence: missense variant.
Genome position (GRCh38, 1-based): chr10:116,561,520, T>G. VCF-style: chr10-116561520-T-G. GRCh37 (hg19) VCF-style: chr10-118321032-T-G.
Other names: short protein forms D406E.
Identifiers: ClinVar variation 2824286 (VCV002824286.3), dbSNP rs747120281, ClinGen allele CA378498211.

ClinVar aggregate classification (germline): Uncertain significance (1 of 4 stars; one submission).

Submission:

Labcorp Genetics (formerly Invitae), Labcorp
Classification: Uncertain significance. Last evaluated: 2023-05-20. Review status: criteria provided, single submitter. Criteria: Invitae Variant Classification Sherloc (09022015). Collection method: clinical testing. Allele origin: germline.
Comment: In summary, the available evidence is currently insufficient to determine the role of this variant in disease. Therefore, it has been classified as a Variant of Uncertain Significance. Advanced modeling of protein sequence and biophysical properties (such as structural, functional, and spatial information, amino acid conservation, physicochemical variation, residue mobility, and thermodynamic stability) performed at Invitae indicates that this missense variant is not expected to disrupt PNLIP protein function. This variant has not been reported in the literature in individuals affected with PNLIP-related conditions. This variant is not present in population databases (gnomAD no frequency). This sequence change replaces aspartic acid, which is acidic and polar, with glutamic acid, which is acidic and polar, at codon 406 of the PNLIP protein (p.Asp406Glu).